The following is an entry in ClinVar:

NM_004385.5(VCAN):c.9119C>T (p.Ser3040Phe)

Genes: VCAN (versican; plus strand), VCAN-AS1 (VCAN antisense RNA 1; minus strand). Cytogenetic location: 5q14.3.
Variant type: single nucleotide variant.
Coding change: c.9119C>T on transcript NM_004385.5 (MANE Select); coding-DNA position 9119, C replaced by T.
Protein change: p.Ser3040Phe; replaces serine 3040 with phenylalanine.
Molecular consequence: missense variant. On other transcripts: intron variant (2).
Genome position (GRCh38, 1-based): chr5:83,542,122, C>T. VCF-style: chr5-83542122-C-T. GRCh37 (hg19) VCF-style: chr5-82837941-C-T.
Other names: c.6158C>T, p.Ser2053Phe (NM_001164097.2); c.4004-3415C>T (NM_001164098.2); c.1043-3415C>T (NM_001126336.3); short protein forms S2053F, S3040F.
Identifiers: ClinVar variation 2822106 (VCV002822106.3), dbSNP rs1747029728, ClinGen allele CA360295075.
Genomic context (GRCh38, chr5:83,542,122, plus strand): 5'-GAGGGCAGGATTCCACGATAGCAGCATCAGAACAGCAAGTGGCAGCGAGAATTCTTGATT[C>T]CAATGATCAGGCAACAGTAAACCCTGTGGAATTTAATACTGAGGTTGCAACACCACCATT-3'
Protein context (NP_004376.2, residues 3030-3050): EQQVAARILD[Ser3040Phe]NDQATVNPVE

ClinVar aggregate classification (germline): Uncertain significance (1 of 4 stars; one submission).

Allele frequency attached by ClinVar (database versions not stated): TOPMed below 0.00001.

Submission:

Labcorp Genetics (formerly Invitae), Labcorp
Classification: Uncertain significance. Last evaluated: 2025-01-20. Review status: criteria provided, single submitter. Criteria: Invitae Variant Classification Sherloc (09022015). Collection method: clinical testing. Allele origin: germline.
Comment: This sequence change replaces serine, which is neutral and polar, with phenylalanine, which is neutral and non-polar, at codon 3040 of the VCAN protein (p.Ser3040Phe). This variant is not present in population databases (gnomAD no frequency). This variant has not been reported in the literature in individuals affected with VCAN-related conditions. ClinVar contains an entry for this variant (Variation ID: 2822106). An algorithm developed to predict the effect of missense changes on protein structure and function outputs the following: PolyPhen-2: "Benign". The phenylalanine amino acid residue is found in multiple mammalian species, which suggests that this missense change does not adversely affect protein function. In summary, the available evidence is currently insufficient to determine the role of this variant in disease. Therefore, it has been classified as a Variant of Uncertain Significance.